The following is an entry in ClinVar:

NM_001844.5(COL2A1):c.2026G>A (p.Glu676Lys)

Gene: COL2A1 (collagen type II alpha 1 chain; minus strand). Cytogenetic location: 12q13.11.
Variant type: single nucleotide variant.
Coding change: c.2026G>A on transcript NM_001844.5 (MANE Select); coding-DNA position 2026, G replaced by A.
Protein change: p.Glu676Lys; replaces glutamic acid 676 with lysine.
Molecular consequence: missense variant.
Genome position (GRCh38, 1-based): chr12:47,983,408, C>T on the plus strand (G>A on the coding strand, the complement: COL2A1 is on the minus strand). VCF-style: chr12-47983408-C-T. GRCh37 (hg19) VCF-style: chr12-48377191-C-T.
Other names: c.1819G>A, p.Glu607Lys (NM_033150.3); short protein forms E607K, E676K.
Identifiers: ClinVar variation 3361473 (VCV003361473.2).

ClinVar aggregate classification (germline): Uncertain significance (1 of 4 stars; one submission).

Submission:

GeneDx
Classification: Uncertain significance. Last evaluated: 2026-07-11. Review status: criteria provided, single submitter. Criteria: GeneDx Variant Classification Process June 2021. Collection method: clinical testing. Allele origin: germline.
Comment: Has not been previously published as pathogenic or benign to our knowledge; Not observed at significant frequency in large population cohorts (gnomAD); Occurs in the triple helical domain at the X position in the canonical Gly-X-Y repeat; although this variant may have an effect on normal protein folding and function, missense substitution at the X position is not a common mechanism of disease (HGMD); In silico analysis supports that this missense variant has a deleterious effect on protein structure/function